The following is an entry in ClinVar:

NM_000535.7(PMS2):c.1936A>G (p.Arg646Gly)

Gene: PMS2 (PMS1 homolog 2, mismatch repair system component; minus strand). Cytogenetic location: 7p22.1.
Variant type: single nucleotide variant.
Coding change: c.1936A>G on transcript NM_000535.7 (MANE Select); coding-DNA position 1936, A replaced by G.
Protein change: p.Arg646Gly; replaces arginine 646 with glycine.
Molecular consequence: missense variant. On other transcripts: non-coding transcript variant (1).
Genome position (GRCh38, 1-based): chr7:5,986,829, T>C on the plus strand (A>G on the coding strand, the complement: PMS2 is on the minus strand). VCF-style: chr7-5986829-T-C. GRCh37 (hg19) VCF-style: chr7-6026460-T-C.
Other names: c.1531A>G, p.Arg511Gly (NM_001322003.2, NM_001322004.2, NM_001322005.2 and 1 more transcripts); c.1780A>G, p.Arg594Gly (NM_001322006.2); c.1618A>G, p.Arg540Gly (NM_001322007.2, NM_001322008.2); c.1375A>G, p.Arg459Gly (NM_001322010.2); c.1003A>G, p.Arg335Gly (NM_001322011.2, NM_001322012.2); c.1363A>G, p.Arg455Gly (NM_001322013.2); c.1936A>G, p.Arg646Gly (NM_001322014.2); c.1627A>G, p.Arg543Gly (NM_001322015.2); short protein forms R455G, R459G, R511G, R543G, R540G, R594G, R646G, R335G.
Identifiers: ClinVar variation 848785 (VCV000848785.10), dbSNP rs369582237, ClinGen allele CA366739167.
Genomic context (GRCh38, chr7:5,986,829, plus strand): 5'-TTCTTAGTTCATCTTCGGCTGCTTGATTTTCTCCAGGACAAATCTTTGCCCTAAACTTCC[T>C]GTAATTCTGTTCCCCTTCACTTTGCTGTGCTTCATGATGTAACTGCTTTATTCGTTTAGC-3'
Protein context (NP_000526.2, residues 636-656): AQQSEGEQNY[Arg646Gly]KFRAKICPGE

ClinVar aggregate classification (germline): Uncertain significance. Review status: criteria provided, multiple submitters, no conflicts (2 of 4 stars). 4 submissions from 4 submitters: Uncertain significance (4). Last evaluated 2025-08-13.

Conditions:
Hereditary cancer-predisposing syndrome. Also called: Tumor predisposition; Neoplastic Syndromes, Hereditary; Hereditary neoplastic syndrome; Hereditary Cancer Syndrome. Identifiers: Orphanet 140162, MedGen C0027672, MeSH D009386, MONDO:0015356.
Lynch syndrome 4 (LYNCH4). Also called: Hereditary non-polyposis colorectal cancer, type 4; Colorectal cancer, hereditary nonpolyposis, type 4. Identifiers: Orphanet 144, MedGen C1838333, MONDO:0013699, OMIM 614337. Disease mechanism: loss of function.
Hereditary nonpolyposis colorectal neoplasms. Identifiers: MedGen C0009405, MeSH D003123.

gnomAD v4.1: 1 of 1,613,688 alleles (0.000062%); highest among the groups gnomAD compares: Non-Finnish European, 0.000085%; no homozygotes.

Submissions (4):

Color Diagnostics, LLC DBA Color Health
Classification: Uncertain significance for Hereditary cancer-predisposing syndrome. Last evaluated: 2025-08-13. Review status: criteria provided, single submitter. Criteria: ACMG Guidelines, 2015. Collection method: clinical testing. Allele origin: germline.
Comment: This missense variant replaces arginine with glycine at codon 646 of the PMS2 protein. Computational prediction suggests that this variant may not impact protein structure and function. To our knowledge, functional studies have not been reported for this variant. This variant has not been reported in individuals affected with PMS2-related disorders in the literature. This variant has not been identified in the general population by the Genome Aggregation Database (gnomAD). The available evidence is insufficient to determine the role of this variant in disease conclusively. Therefore, this variant is classified as a Variant of Uncertain Significance.

Ambry Genetics
Classification: Uncertain significance for Hereditary cancer-predisposing syndrome. Last evaluated: 2025-02-18. Review status: criteria provided, single submitter. Criteria: Ambry Variant Classification Scheme 2023. Collection method: clinical testing. Allele origin: germline.
Comment: The p.R646G variant (also known as c.1936A>G), located in coding exon 11 of the PMS2 gene, results from an A to G substitution at nucleotide position 1936. The arginine at codon 646 is replaced by glycine, an amino acid with dissimilar properties. This amino acid position is highly conserved in available vertebrate species. In addition, the in silico prediction for this alteration is inconclusive. Since supporting evidence is limited at this time, the clinical significance of this alteration remains unclear.

Labcorp Genetics (formerly Invitae), Labcorp
Classification: Uncertain significance for Hereditary nonpolyposis colorectal neoplasms. Last evaluated: 2024-04-25. Review status: criteria provided, single submitter. Criteria: Invitae Variant Classification Sherloc (09022015). Collection method: clinical testing. Allele origin: germline.
Comment: This sequence change replaces arginine, which is basic and polar, with glycine, which is neutral and non-polar, at codon 646 of the PMS2 protein (p.Arg646Gly). This variant is not present in population databases (gnomAD no frequency). This variant has not been reported in the literature in individuals affected with PMS2-related conditions. ClinVar contains an entry for this variant (Variation ID: 848785). Advanced modeling of protein sequence and biophysical properties (such as structural, functional, and spatial information, amino acid conservation, physicochemical variation, residue mobility, and thermodynamic stability) performed at Invitae indicates that this missense variant is expected to disrupt PMS2 protein function with a positive predictive value of 80%. In summary, the available evidence is currently insufficient to determine the role of this variant in disease. Therefore, it has been classified as a Variant of Uncertain Significance.

Baylor Genetics
Classification: Uncertain significance for Lynch syndrome 4. Last evaluated: 2023-12-04. Review status: criteria provided, single submitter. Criteria: ACMG Guidelines, 2015. Collection method: clinical testing. Allele origin: unknown.